The following is an entry in ClinVar:

ClinVar aggregate classification (germline): Likely benign. Review status: criteria provided, multiple submitters, no conflicts (2 of 4 stars). 2 submissions from 2 submitters: Likely benign (2). Last evaluated 2026-03-26.

Conditions:
SLC24A1-related disorder. Also called: SLC24A1-related condition.

Allele frequency attached by ClinVar (database versions not stated): gnomAD exomes below 0.00001; gnomAD 0.00001; TOPMed 0.00005.
gnomAD v4.1: 5 of 1,613,458 alleles (0.00031%); highest among the groups gnomAD compares: African/African-American, 0.0053%; no homozygotes.

Submissions (2):

PreventionGenetics, part of Exact Sciences
Classification: Likely benign for SLC24A1-related condition. Last evaluated: 2026-03-26. Review status: criteria provided, single submitter. Criteria: ACMG Guidelines, 2015. Collection method: clinical testing. Allele origin: germline.
Comment: This variant is classified as likely benign based on ACMG/AMP sequence variant interpretation guidelines (Richards et al. 2015 PMID: 25741868, with internal and published modifications).

Labcorp Genetics (formerly Invitae), Labcorp
Classification: Likely benign. Last evaluated: 2022-09-01. Review status: criteria provided, single submitter. Criteria: Invitae Variant Classification Sherloc (09022015). Collection method: clinical testing. Allele origin: germline.

NM_004727.3(SLC24A1):c.1038G>A (p.Arg346=)

Gene: SLC24A1 (solute carrier family 24 member 1; plus strand). Cytogenetic location: 15q22.31.
Variant type: single nucleotide variant.
Coding change: c.1038G>A on transcript NM_004727.3 (MANE Select); coding-DNA position 1038, G replaced by A.
Protein change: p.Arg346=; no amino-acid change (arginine 346 retained).
Molecular consequence: synonymous variant.
Genome position (GRCh38, 1-based): chr15:65,625,118, G>A. VCF-style: chr15-65625118-G-A. GRCh37 (hg19) VCF-style: chr15-65917456-G-A.
Other names: c.1038G>A (NM_004727.2); c.1038G>A, p.Arg346= (NM_001301031.1, NM_001301032.1, NM_001301033.2).
Identifiers: ClinVar variation 1149559 (VCV001149559.11), dbSNP rs1456958685, ClinGen allele CA490904243.